The following is an entry in ClinVar:

ClinVar aggregate classification (germline): Uncertain significance. Review status: criteria provided, multiple submitters, no conflicts (2 of 4 stars). 2 submissions from 2 submitters: Uncertain significance (2). Last evaluated 2025-09-29.

Conditions:
Inborn genetic diseases. Identifiers: MedGen C0950123, MeSH D030342.

Allele frequency attached by ClinVar (database versions not stated): gnomAD 0.00007; ESP Exome Variant Server 0.00008; gnomAD exomes 0.00008; TOPMed 0.00011; ExAC 0.00012.

Submissions (2):

Labcorp Genetics (formerly Invitae), Labcorp
Classification: Uncertain significance. Last evaluated: 2025-09-29. Review status: criteria provided, single submitter. Criteria: Invitae Variant Classification Sherloc (09022015). Collection method: clinical testing. Allele origin: germline.
Comment: This sequence change replaces methionine, which is neutral and non-polar, with valine, which is neutral and non-polar, at codon 159 of the TRPV3 protein (p.Met159Val). This variant is present in population databases (rs368616131, gnomAD 0.03%). This variant has not been reported in the literature in individuals affected with TRPV3-related conditions. ClinVar contains an entry for this variant (Variation ID: 3183495). Invitae Evidence Modeling of protein sequence and biophysical properties (such as structural, functional, and spatial information, amino acid conservation, physicochemical variation, residue mobility, and thermodynamic stability) indicates that this missense variant is not expected to disrupt TRPV3 protein function with a negative predictive value of 95%. In summary, the available evidence is currently insufficient to determine the role of this variant in disease. Therefore, it has been classified as a Variant of Uncertain Significance.

Ambry Genetics
Classification: Uncertain significance for Inborn genetic diseases. Last evaluated: 2023-12-19. Review status: criteria provided, single submitter. Criteria: Ambry Variant Classification Scheme 2023. Collection method: clinical testing. Allele origin: germline.

NM_145068.4(TRPV3):c.475A>G (p.Met159Val)

Gene: TRPV3 (transient receptor potential cation channel subfamily V member 3; minus strand). Cytogenetic location: 17p13.2.
Variant type: single nucleotide variant.
Coding change: c.475A>G on transcript NM_145068.4 (MANE Select); coding-DNA position 475, A replaced by G.
Protein change: p.Met159Val; replaces methionine 159 with valine.
Molecular consequence: missense variant.
Genome position (GRCh38, 1-based): chr17:3,542,690, T>C on the plus strand (A>G on the coding strand, the complement: TRPV3 is on the minus strand). VCF-style: chr17-3542690-T-C. GRCh37 (hg19) VCF-style: chr17-3445984-T-C.
Other names: c.475A>G, p.Met159Val (NM_001258205.2); short protein forms M159V.
Identifiers: ClinVar variation 3183495 (VCV003183495.2), dbSNP rs368616131, ClinGen allele CA8289831.